The following is an entry in ClinVar:

ClinVar aggregate classification (germline): Conflicting classifications of pathogenicity. Review status: criteria provided, conflicting classifications (1 of 4 stars). 12 submissions from 11 submitters: Uncertain significance (2); Benign (1); Likely benign (9). Last evaluated 2026-03-05.

Conditions:
Cardiovascular phenotype. Identifiers: MedGen CN230736.
Hypobetalipoproteinemia. Identifiers: Orphanet 31154, MedGen C0020597, MONDO:0017774.
Familial hypercholesterolemia. Also called: Familial hypercholesterolaemia; Familial hypercholesterolemias. Identifiers: MedGen C0020445, MONDO:0005439.
Hypercholesterolemia, familial, 1. Also called: LDL RECEPTOR DISORDER; Hyperlipoproteinemia Type IIa; HYPER-LOW-DENSITY-LIPOPROTEINEMIA; HYPERCHOLESTEROLEMIC XANTHOMATOSIS, FAMILIAL; Fredrickson type IIa hyperlipoproteinemia; Hyperlipoproteinemia type 2. Identifiers: Orphanet 391665, MedGen C0745103, MONDO:0007750, OMIM 143890.
Hypercholesterolemia, autosomal dominant, 3 (FHCL3). Also called: Familial hypercholesterolemia 3; Familial Hypercholesterolemia, Autosomal Dominant, 3; PCSK9-Related Familial Hypercholesterolemia, Autosomal Dominant. Identifiers: MedGen C1863551, MONDO:0011369, OMIM 603776.

Allele frequency attached by ClinVar (database versions not stated): gnomAD 0.00005 and 0.00006; gnomAD exomes 0.00005 and 0.00008; TOPMed 0.00005; ExAC 0.00009; ESP Exome Variant Server 0.00015.
gnomAD v4.1: 80 of 1,613,680 alleles (0.005%); highest among the groups gnomAD compares: Middle Eastern, 0.016%; no homozygotes.

Submissions (12):

Women's Health and Genetics/Laboratory Corporation of America, LabCorp
Classification: Benign. Last evaluated: 2026-03-05. Review status: criteria provided, single submitter. Criteria: LabCorp Variant Classification Summary - May 2015. Collection method: clinical testing. Allele origin: germline.

Labcorp Genetics (formerly Invitae), Labcorp
Classification: Likely benign for Hypercholesterolemia, autosomal dominant, 3. Last evaluated: 2025-12-29. Review status: criteria provided, single submitter. Criteria: Invitae Variant Classification Sherloc (09022015). Collection method: clinical testing. Allele origin: germline.

Molecular Diagnostic Laboratory for Inherited Cardiovascular Disease, Montreal Heart Institute
Classification: Likely benign. Last evaluated: 2025-04-09. Review status: criteria provided, single submitter. Criteria: ACMG Guidelines, 2015. Collection method: clinical testing. Allele origin: germline. Affected: no.

GENinCode PLC
Classification: Likely benign for Familial hypercholesterolemia. Last evaluated: 2025-01-10. Review status: criteria provided, single submitter. Criteria: ACMG Guidelines, 2015. Collection method: clinical testing. Allele origin: germline.
Comment: This is a synonymous (silent) variant that is not predicted to impact splicing and occurs at a nucleotide which is not highly conserved. This variant has been classified as Likely Benign (BP4, BP7).

All of Us Research Program, National Institutes of Health
Classification: Likely benign for Hypercholesterolemia, autosomal dominant, 3. Last evaluated: 2024-01-11. Review status: criteria provided, single submitter. Criteria: ACMG Guidelines, 2015. Collection method: clinical testing. Allele origin: germline. Inheritance: Autosomal dominant inheritance. Observed: 21 variant alleles, 21 heterozygotes.
Comment: This study involves interpretation of variants in research participants for the purpose of population health screening. Participant phenotype was not available at the time of variant classification. Additional details can be found in publication PMID: 35346344, PMCID: PMC8962531

CeGaT Center for Human Genetics Tuebingen
Classification: Likely benign. Last evaluated: 2023-04-01. Review status: criteria provided, single submitter. Criteria: CeGaT Center For Human Genetics Tuebingen Variant Classification Criteria Version 2. Collection method: clinical testing. Allele origin: germline. Affected: yes. Observed: 1 variant allele.
Comment: PCSK9: BP4, BP7

Blueprint Genetics
Classification: Likely benign. Last evaluated: 2023-03-13. Review status: criteria provided, single submitter. Criteria: ACMG Guidelines, 2015. Collection method: clinical testing. Allele origin: germline.

Ambry Genetics
Classification: Likely benign for Cardiovascular phenotype. Last evaluated: 2022-08-01. Review status: criteria provided, single submitter. Criteria: Ambry Variant Classification Scheme 2023. Collection method: clinical testing. Allele origin: germline.

Color Diagnostics, LLC DBA Color Health
Classification: Likely benign for Familial hypercholesterolemia. Last evaluated: 2018-11-14. Review status: criteria provided, single submitter. Criteria: ACMG Guidelines, 2015. Collection method: clinical testing. Allele origin: germline.

Robarts Research Institute, Western University
Classification: Likely benign for Hypercholesterolemia, familial, 1. Last evaluated: 2018-01-02. Review status: criteria provided, single submitter. Criteria: ACMG Guidelines, 2015. Collection method: clinical testing. Allele origin: germline. Inheritance: Autosomal dominant inheritance. Affected: yes.

Illumina Laboratory Services, Illumina
Classification: Uncertain significance for Hypercholesterolemia, autosomal dominant, 3. Last evaluated: 2017-04-27. Review status: criteria provided, single submitter. Criteria: ICSL Variant Classification Criteria 13 December 2019. Collection method: clinical testing. Allele origin: germline.
Comment: This variant was observed as part of a predisposition screen in an ostensibly healthy population. A literature search was performed for the gene, cDNA change, and amino acid change (where applicable). Publications were found based on this search. However, the evidence from the literature, in combination with allele frequency data from public databases where available, was not sufficient to rule this variant in or out of causing disease. Therefore, this variant is classified as a variant of unknown significance.

Illumina Laboratory Services, Illumina
Classification: Uncertain significance for Hypobetalipoproteinemia. Last evaluated: 2017-04-27. Review status: criteria provided, single submitter. Criteria: ICSL Variant Classification Criteria 13 December 2019. Collection method: clinical testing. Allele origin: germline.

Literature cited by the submitters: PubMed 17316651 (cited by GENinCode PLC and Illumina Laboratory Services, Illumina); PubMed 19191301 (cited by GENinCode PLC and Illumina Laboratory Services, Illumina).

NM_174936.4(PCSK9):c.1227C>T (p.Ala409=)

Gene: PCSK9 (proprotein convertase subtilisin/kexin type 9; plus strand). Cytogenetic location: 1p32.3.
Variant type: single nucleotide variant.
Coding change: c.1227C>T on transcript NM_174936.4 (MANE Select); coding-DNA position 1227, C replaced by T.
Protein change: p.Ala409=; no amino-acid change (alanine 409 retained).
Molecular consequence: synonymous variant. On other transcripts: non-coding transcript variant (8), intron variant (2).
Genome position (GRCh38, 1-based): chr1:55,058,082, C>T. VCF-style: chr1-55058082-C-T. GRCh37 (hg19) VCF-style: chr1-55523755-C-T.
Other names: c.1350C>T, p.Ala450= (NM_001407240.1); c.1227C>T, p.Ala409= (NM_001407241.1); c.1230C>T, p.Ala410= (NM_001407242.1); c.1170C>T, p.Ala390= (NM_001407243.1); c.1035C>T, p.Ala345= (NM_001407245.1); c.852C>T, p.Ala284= (NM_001407246.1); c.1181-417C>T (NM_001407244.1); c.1180+568C>T (NM_001407247.1).
Identifiers: ClinVar variation 413314 (VCV000413314.53), dbSNP rs146924245, ClinGen allele CA035976.